The following is an entry in ClinVar:

ClinVar aggregate classification (germline): Pathogenic/Likely pathogenic. Review status: criteria provided, multiple submitters, no conflicts (2 of 4 stars). 2 submissions from 2 submitters: Pathogenic (1); Likely pathogenic (1). Last evaluated 2021-06-21.

Conditions:
Hereditary cancer-predisposing syndrome. Also called: Hereditary neoplastic syndrome; Neoplastic Syndromes, Hereditary; Hereditary Cancer Syndrome; Tumor predisposition. Identifiers: Orphanet 140162, MedGen C0027672, MeSH D009386, MONDO:0015356.
Ataxia-telangiectasia syndrome (AT). Also called: Ataxia telangiectasia (A-T); ATAXIA-TELANGIECTASIA, COMPLEMENTATION GROUP A; ATAXIA-TELANGIECTASIA, FRESNO VARIANT; Ataxia-telangiectasia, complementation group D; AT, COMPLEMENTATION GROUP C; Ataxia-telangiectasia, complementation group E. Identifiers: Orphanet 100, MedGen C0004135, MONDO:0008840, OMIM 208900.
Familial cancer of breast. Also called: Hereditary breast cancer; BREAST CANCER, FAMILIAL; hereditary breast carcinoma. Identifiers: Orphanet 227535, MedGen C0346153, MONDO:0016419, OMIM 114480. Disease mechanism: loss of function.

Submissions (2):

Department of Pathology and Laboratory Medicine, Sinai Health System
Classification: Pathogenic for Familial cancer of breast; Ataxia-telangiectasia syndrome. Last evaluated: 2021-06-21. Review status: criteria provided, single submitter. Criteria: ACMG Guidelines, 2015. Collection method: clinical testing. Allele origin: germline. Affected: no.

Color Diagnostics, LLC DBA Color Health
Classification: Likely pathogenic for Hereditary cancer-predisposing syndrome. Last evaluated: 2020-07-13. Review status: criteria provided, single submitter. Criteria: ACMG Guidelines, 2015. Collection method: clinical testing. Allele origin: germline.
Comment: This variant deletes 1 nucleotide in exon 20 of the ATM gene, creating a frameshift and premature translation stop signal. This variant is expected to result in an absent or non-functional protein product. To our knowledge, this variant has not been reported in individuals affected with hereditary cancer in the literature. This variant has not been identified in the general population by the Genome Aggregation Database (gnomAD). Loss of ATM function is a known mechanism of disease. Based on the available evidence, this variant is classified as Likely Pathogenic.

Literature cited by the submitters: PubMed 29961768 (cited by Department of Pathology and Laboratory Medicine, Sinai Health System).

NM_000051.4(ATM):c.3023del (p.Ser1008fs)

Gene: ATM (ATM serine/threonine kinase; plus strand). Cytogenetic location: 11q22.3.
Variant type: Deletion.
Coding change: c.3023del on transcript NM_000051.4 (MANE Select); coding-DNA position 3023, one base deleted (C; older notation c.3023delC).
Protein change: p.Ser1008fs; shifts the reading frame from serine 1008.
Molecular consequence: frameshift variant.
Genome position (GRCh38, 1-based): chr11:108,271,352, C deleted. VCF-style (leftmost placement, unchanged base first): chr11-108271351-TC-T. GRCh37 (hg19) VCF-style: chr11-108142078-TC-T.
Other names: c.3023del, p.Ser1008fs (NM_001351834.2); short protein forms S1008fs.
Identifiers: ClinVar variation 1171457 (VCV001171457.3), dbSNP rs2135553794, ClinGen allele CA2499220602.